The following is an entry in ClinVar:

NM_004260.4(RECQL4):c.2301G>A (p.Val767=)

Gene: RECQL4 (RecQ like helicase 4; minus strand). Cytogenetic location: 8q24.3.
Variant type: single nucleotide variant.
Coding change: c.2301G>A on transcript NM_004260.4 (MANE Select); coding-DNA position 2301, G replaced by A.
Protein change: p.Val767=; no amino-acid change (valine 767 retained).
Molecular consequence: synonymous variant.
Genome position (GRCh38, 1-based): chr8:144,513,380, C>T on the plus strand (G>A on the coding strand, the complement: RECQL4 is on the minus strand). VCF-style: chr8-144513380-C-T. GRCh37 (hg19) VCF-style: chr8-145738763-C-T.
Identifiers: ClinVar variation 529108 (VCV000529108.10), dbSNP rs1442614863, ClinGen allele CA463566946.
Genomic context (GRCh38, chr8:144,513,380, plus strand): 5'-CAGCACAGCCCGCACATCTGGCCGGTCCAGCCCCATCCCAAAGGCCACCGTGGCCACCAC[C>T]ACCCGCAACTGGCCCTGCATGAAGGCTCGCTGTACCCGCCGCCGTTCCCGGCTGCACATG-3'
Protein context (NP_004251.4, residues 757-777): QRAFMQGQLR[Val767=]VVATVAFGMG

ClinVar aggregate classification (germline): Conflicting classifications of pathogenicity. Review status: criteria provided, conflicting classifications (1 of 4 stars). 2 submissions from 2 submitters: Uncertain significance (1); Likely benign (1). Last evaluated 2026-02-11.

Conditions:
Baller-Gerold syndrome (BGS). Also called: CRANIOSYNOSTOSIS WITH RADIAL DEFECTS. Identifiers: Orphanet 1225, MedGen C0265308, MONDO:0009039, OMIM 218600.
Rothmund-Thomson syndrome type 2 (RTS2). Identifiers: Orphanet 221016, MedGen C5203410, MONDO:0016369, OMIM 268400.

Allele frequency attached by ClinVar (database versions not stated): gnomAD 0.00001; gnomAD exomes 0.00001 and 0.00035; TOPMed 0.00003.
gnomAD v4.1: 20 of 1,607,438 alleles (0.0012%); highest among the groups gnomAD compares: Non-Finnish European, 0.0016%; no homozygotes.

Submissions (2):

St. Jude Molecular Pathology, St. Jude Children's Research Hospital
Classification: Uncertain significance for Rothmund-Thomson syndrome type 2. Last evaluated: 2026-02-11. Review status: criteria provided, single submitter. Criteria: St. Jude Assertion Criteria 2020. Collection method: clinical testing. Allele origin: germline.
Comment: The RECQL4 c.2301G>A p.(Val767=) synonymous change has an unreliable population frequency estimate in gnomAD v2.1.1 due to poor data quality at this location. Algorithms that predict the impact of sequence changes on splicing indicate that this change may impact splicing, but to our knowledge these predictions have not been confirmed by RNA studies. To our knowledge, this variant has not been reported in individuals with RECQL4-associated conditions. In summary, the evidence currently available is insufficient to determine the clinical significance of this variant. It has therefore been classified as of uncertain significance.

Labcorp Genetics (formerly Invitae), Labcorp
Classification: Likely benign for Baller-Gerold syndrome. Last evaluated: 2023-06-24. Review status: criteria provided, single submitter. Criteria: Invitae Variant Classification Sherloc (09022015). Collection method: clinical testing. Allele origin: germline.